The following is an entry in ClinVar:

NM_004187.5(KDM5C):c.2875A>G (p.Ser959Gly)

Gene: KDM5C (lysine demethylase 5C; minus strand). Cytogenetic location: Xp11.22.
Variant type: single nucleotide variant.
Coding change: c.2875A>G on transcript NM_004187.5 (MANE Select); coding-DNA position 2875, A replaced by G.
Protein change: p.Ser959Gly; replaces serine 959 with glycine.
Molecular consequence: missense variant. On other transcripts: non-coding transcript variant (3).
Genome position (GRCh38, 1-based): chrX:53,196,792, T>C on the plus strand (A>G on the coding strand, the complement: KDM5C is on the minus strand). VCF-style: chrX-53196792-T-C. GRCh37 (hg19) VCF-style: chrX-53225974-T-C.
Other names: c.2674A>G, p.Ser892Gly (NM_001146702.2); c.2872A>G, p.Ser958Gly (NM_001282622.3, NM_001353979.2, NM_001353982.2); c.2875A>G, p.Ser959Gly (NM_001353978.3, NM_001353981.2, NM_001353984.2); short protein forms S892G, S958G, S959G.
Identifiers: ClinVar variation 2501868 (VCV002501868.2), dbSNP rs782053399, ClinGen allele CA10419312.

ClinVar aggregate classification (germline): Uncertain significance (1 of 4 stars; one submission).

Allele frequency attached by ClinVar (database versions not stated): gnomAD exomes below 0.00001; ExAC 0.00001.

Submission:

GeneDx
Classification: Uncertain significance. Last evaluated: 2024-09-17. Review status: criteria provided, single submitter. Criteria: GeneDx Variant Classification Process June 2021. Collection method: clinical testing. Allele origin: germline.
Comment: Not observed at significant frequency in large population cohorts (gnomAD); In silico analysis indicates that this missense variant does not alter protein structure/function; Has not been previously published as pathogenic or benign to our knowledge